The following is an entry in ClinVar:

ClinVar aggregate classification (germline): Uncertain significance (1 of 4 stars; one submission).

Allele frequency attached by ClinVar (database versions not stated): gnomAD exomes below 0.00001.
gnomAD v4.1: 5 of 1,613,576 alleles (0.00031%); highest among the groups gnomAD compares: African/African-American, 0.004%; no homozygotes.

Submission:

Labcorp Genetics (formerly Invitae), Labcorp
Classification: Uncertain significance. Last evaluated: 2026-01-05. Review status: criteria provided, single submitter. Criteria: Invitae Variant Classification Sherloc (09022015). Collection method: clinical testing. Allele origin: germline.
Comment: This sequence change replaces aspartic acid, which is acidic and polar, with asparagine, which is neutral and polar, at codon 44 of the MICAL1 protein (p.Asp44Asn). This variant is not present in population databases (gnomAD no frequency). This variant has not been reported in the literature in individuals affected with MICAL1-related conditions. ClinVar contains an entry for this variant (Variation ID: 1935759). An algorithm developed to predict the effect of missense changes on protein structure and function outputs the following: PolyPhen-2: "Benign". The asparagine amino acid residue is found in multiple mammalian species, which suggests that this missense change does not adversely affect protein function. In summary, the available evidence is currently insufficient to determine the role of this variant in disease. Therefore, it has been classified as a Variant of Uncertain Significance.

NM_022765.4(MICAL1):c.73G>A (p.Asp25Asn)

Gene: MICAL1 (microtubule associated monooxygenase, calponin and LIM domain containing 1; minus strand). Cytogenetic location: 6q21.
Variant type: single nucleotide variant.
Coding change: c.73G>A on transcript NM_022765.4 (MANE Select); coding-DNA position 73, G replaced by A.
Protein change: p.Asp25Asn; replaces aspartic acid 25 with asparagine.
Molecular consequence: missense variant.
Genome position (GRCh38, 1-based): chr6:109,454,124, C>T on the plus strand (G>A on the coding strand, the complement: MICAL1 is on the minus strand). VCF-style: chr6-109454124-C-T. GRCh37 (hg19) VCF-style: chr6-109775327-C-T.
Other names: c.73G>A, p.Asp25Asn (NM_001159291.2); c.130G>A, p.Asp44Asn (NM_001286613.2); short protein forms D44N, D25N.
Identifiers: ClinVar variation 1935759 (VCV001935759.5), dbSNP rs2115340039, ClinGen allele CA365234220.
Genomic context (GRCh38, chr6:109,454,124, plus strand): 5'-GCCCCCCACCGGGTTCCAGCCCCAGGGCCCCACACAGCTCCTGGAAGCTGCTCAGCACGT[C>T]CTGGCACAGCTGGGCCTGCAGGAAGCTCTCAAAGTGGGCATGCGCTGGGTTGGTGGAGGT-3'
Protein context (NP_073602.3, residues 15-35): ESFLQAQLCQ[Asp25Asn]VLSSFQELCG